The following is an entry in ClinVar:

NM_182914.3(SYNE2):c.14900T>C (p.Leu4967Pro)

Gene: SYNE2 (spectrin repeat containing nuclear envelope protein 2; plus strand). Cytogenetic location: 14q23.2.
Variant type: single nucleotide variant.
Coding change: c.14900T>C on transcript NM_182914.3 (MANE Select); coding-DNA position 14900, T replaced by C.
Protein change: p.Leu4967Pro; replaces leucine 4967 with proline.
Molecular consequence: missense variant.
Genome position (GRCh38, 1-based): chr14:64,139,997, T>C. VCF-style: chr14-64139997-T-C. GRCh37 (hg19) VCF-style: chr14-64606715-T-C.
Other names: c.14900T>C, p.Leu4967Pro (NM_015180.6); short protein forms L4967P.
Identifiers: ClinVar variation 470937 (VCV000470937.8), dbSNP rs1555506605, ClinGen allele CA389939361.

ClinVar aggregate classification (germline): Uncertain significance (1 of 4 stars; one submission).

Conditions:
Emery-Dreifuss muscular dystrophy 5, autosomal dominant (EDMD5). Also called: EMERY-DREIFUSS MUSCULAR DYSTROPHY 5. Identifiers: Orphanet 261, MedGen C2751805, MONDO:0013072, OMIM 612999.

Submission:

Labcorp Genetics (formerly Invitae), Labcorp
Classification: Uncertain significance for Emery-Dreifuss muscular dystrophy 5, autosomal dominant. Last evaluated: 2022-12-02. Review status: criteria provided, single submitter. Criteria: Invitae Variant Classification Sherloc (09022015). Collection method: clinical testing. Allele origin: germline.
Comment: This variant has not been reported in the literature in individuals affected with SYNE2-related conditions. ClinVar contains an entry for this variant (Variation ID: 470937). Algorithms developed to predict the effect of missense changes on protein structure and function are either unavailable or do not agree on the potential impact of this missense change (SIFT: "Deleterious"; PolyPhen-2: "Probably Damaging"; Align-GVGD: "Class C0"). In summary, the available evidence is currently insufficient to determine the role of this variant in disease. Therefore, it has been classified as a Variant of Uncertain Significance. This variant is not present in population databases (gnomAD no frequency). This sequence change replaces leucine, which is neutral and non-polar, with proline, which is neutral and non-polar, at codon 4967 of the SYNE2 protein (p.Leu4967Pro).